The following is an entry in ClinVar:

ClinVar aggregate classification (germline): Uncertain significance. Review status: criteria provided, multiple submitters, no conflicts (2 of 4 stars). 2 submissions from 2 submitters: Uncertain significance (2). Last evaluated 2025-11-20.

Allele frequency attached by ClinVar (database versions not stated): ExAC 0.00001; gnomAD exomes 0.00002; ESP Exome Variant Server 0.00008.
gnomAD v4.1: 10 of 1,612,162 alleles (0.00062%); highest among the groups gnomAD compares: Admixed American, 0.0083%; no homozygotes.

Submissions (2):

Ambry Genetics
Classification: Uncertain significance. Last evaluated: 2025-11-20. Review status: criteria provided, single submitter. Criteria: Ambry Variant Classification Scheme 2023. Collection method: clinical testing. Allele origin: germline.

Labcorp Genetics (formerly Invitae), Labcorp
Classification: Uncertain significance. Last evaluated: 2023-05-23. Review status: criteria provided, single submitter. Criteria: Invitae Variant Classification Sherloc (09022015). Collection method: clinical testing. Allele origin: germline.
Comment: This sequence change replaces leucine, which is neutral and non-polar, with phenylalanine, which is neutral and non-polar, at codon 1186 of the SLIT2 protein (p.Leu1186Phe). This variant is present in population databases (rs138468674, gnomAD 0.003%). This variant has not been reported in the literature in individuals affected with SLIT2-related conditions. Algorithms developed to predict the effect of missense changes on protein structure and function output the following: SIFT: "Not Available"; PolyPhen-2: "Probably Damaging"; Align-GVGD: "Not Available". The phenylalanine amino acid residue is found in multiple mammalian species, which suggests that this missense change does not adversely affect protein function. In summary, the available evidence is currently insufficient to determine the role of this variant in disease. Therefore, it has been classified as a Variant of Uncertain Significance.

NM_004787.4(SLIT2):c.3556C>T (p.Leu1186Phe)

Gene: SLIT2 (slit guidance ligand 2; plus strand). Cytogenetic location: 4p15.31.
Variant type: single nucleotide variant.
Coding change: c.3556C>T on transcript NM_004787.4 (MANE Select); coding-DNA position 3556, C replaced by T.
Protein change: p.Leu1186Phe; replaces leucine 1186 with phenylalanine.
Molecular consequence: missense variant.
Genome position (GRCh38, 1-based): chr4:20,596,650, C>T. VCF-style: chr4-20596650-C-T. GRCh37 (hg19) VCF-style: chr4-20598273-C-T.
Other names: c.3544C>T, p.Leu1182Phe (NM_001289135.3); c.3532C>T, p.Leu1178Phe (NM_001289136.3); c.3556C>T (NM_004787.1); short protein forms L1178F, L1182F, L1186F.
Identifiers: ClinVar variation 2725298 (VCV002725298.4), dbSNP rs138468674, ClinGen allele CA2872203.